The following is an entry in ClinVar:

NM_001303256.3(MORC2):c.463C>T (p.Arg155Trp)

Gene: MORC2 (MORC family CW-type zinc finger 2; minus strand). Cytogenetic location: 22q12.2.
Variant type: single nucleotide variant.
Coding change: c.463C>T on transcript NM_001303256.3 (MANE Select); coding-DNA position 463, C replaced by T.
Protein change: p.Arg155Trp; replaces arginine 155 with tryptophan.
Molecular consequence: missense variant.
Genome position (GRCh38, 1-based): chr22:30,942,235, G>A on the plus strand (C>T on the coding strand, the complement: MORC2 is on the minus strand). VCF-style: chr22-30942235-G-A. GRCh37 (hg19) VCF-style: chr22-31338222-G-A.
Other names: c.463C>T, p.Arg155Trp (NM_001303257.2); c.277C>T, p.Arg93Trp (NM_014941.3); short protein forms R155W, R93W.
Identifiers: ClinVar variation 3374856 (VCV003374856.1).

ClinVar aggregate classification (germline): Uncertain significance (1 of 4 stars; one submission).

gnomAD v4.1: 25 of 1,613,334 alleles (0.0015%); highest among the groups gnomAD compares: Admixed American, 0.005%; no homozygotes.

Submission:

Women's Health and Genetics/Laboratory Corporation of America, LabCorp
Classification: Uncertain significance. Last evaluated: 2024-09-12. Review status: criteria provided, single submitter. Criteria: LabCorp Variant Classification Summary - May 2015. Collection method: clinical testing. Allele origin: germline.
Comment: Variant summary: MORC2 c.463C>T (p.Arg155Trp) results in a non-conservative amino acid change in the encoded protein sequence. Three of four in-silico tools predict a damaging effect of the variant on protein function. The variant allele was found at a frequency of 2.8e-05 in 250964 control chromosomes. The available data on variant occurrences in the general population are insufficient to allow any conclusion about variant significance. To our knowledge, no occurrence of c.463C>T in individuals affected with Developmental Delay, Impaired Growth, Dysmorphic Facies, And Axonal Neuropathy and no experimental evidence demonstrating its impact on protein function have been reported. No submitters have cited clinical-significance assessments for this variant to ClinVar. Based on the evidence outlined above, the variant was classified as uncertain significance.